The following is an entry in ClinVar:

ClinVar aggregate classification (germline): Uncertain significance (1 of 4 stars; one submission).

Conditions:
Pallister-Hall syndrome (PHS). Also called: HYPOTHALAMIC HAMARTOBLASTOMA, HYPOPITUITARISM, IMPERFORATE ANUS, AND POSTAXIAL POLYDACTYLY; GLI3-Related Pallister-Hall Syndrome. Identifiers: Orphanet 672, MedGen C0265220, MONDO:0007804, OMIM 146510.
Greig cephalopolysyndactyly syndrome (GCPS). Also called: POLYSYNDACTYLY WITH PECULIAR SKULL SHAPE; Greig syndrome; GLI3-Related Greig Cephalopolysyndactyly Syndrome. Identifiers: Orphanet 380, MedGen C0265306, MONDO:0008287, OMIM 175700.

gnomAD v4.1: 2 of 1,611,560 alleles (0.00012%); highest among the groups gnomAD compares: Non-Finnish European, 0.000085%; no homozygotes.

Submission:

Labcorp Genetics (formerly Invitae), Labcorp
Classification: Uncertain significance for Pallister-Hall syndrome; Greig cephalopolysyndactyly syndrome. Last evaluated: 2025-08-02. Review status: criteria provided, single submitter. Criteria: Invitae Variant Classification Sherloc (09022015). Collection method: clinical testing. Allele origin: germline.
Comment: This sequence change replaces serine, which is neutral and polar, with tyrosine, which is neutral and polar, at codon 186 of the GLI3 protein (p.Ser186Tyr). This variant is not present in population databases (gnomAD no frequency). This variant has not been reported in the literature in individuals affected with GLI3-related conditions. Invitae Evidence Modeling of protein sequence and biophysical properties (such as structural, functional, and spatial information, amino acid conservation, physicochemical variation, residue mobility, and thermodynamic stability) indicates that this missense variant is not expected to disrupt GLI3 protein function with a negative predictive value of 95%. In summary, the available evidence is currently insufficient to determine the role of this variant in disease. Therefore, it has been classified as a Variant of Uncertain Significance.

NM_000168.6(GLI3):c.557C>A (p.Ser186Tyr)

Gene: GLI3 (GLI family zinc finger 3; minus strand). Cytogenetic location: 7p14.1.
Variant type: single nucleotide variant.
Coding change: c.557C>A on transcript NM_000168.6 (MANE Select); coding-DNA position 557, C replaced by A.
Protein change: p.Ser186Tyr; replaces serine 186 with tyrosine.
Molecular consequence: missense variant.
Genome position (GRCh38, 1-based): chr7:42,048,613, G>T on the plus strand (C>A on the coding strand, the complement: GLI3 is on the minus strand). VCF-style: chr7-42048613-G-T. GRCh37 (hg19) VCF-style: chr7-42088212-G-T.
Other names: short protein forms S186Y.
Identifiers: ClinVar variation 4791860 (VCV004791860.1).